The following is an entry in ClinVar:

NM_014339.7(IL17RA):c.1555G>C (p.Ala519Pro)

Gene: IL17RA (interleukin 17 receptor A; plus strand). Cytogenetic location: 22q11.1.
Variant type: single nucleotide variant.
Coding change: c.1555G>C on transcript NM_014339.7 (MANE Select); coding-DNA position 1555, G replaced by C.
Protein change: p.Ala519Pro; replaces alanine 519 with proline.
Molecular consequence: missense variant.
Genome position (GRCh38, 1-based): chr22:17,108,774, G>C. VCF-style: chr22-17108774-G-C. GRCh37 (hg19) VCF-style: chr22-17589664-G-C.
Other names: c.1453G>C, p.Ala485Pro (NM_001289905.2); short protein forms A519P, A485P.
Identifiers: ClinVar variation 2118957 (VCV002118957.4), dbSNP rs377143132, ClinGen allele CA410217549.

ClinVar aggregate classification (germline): Uncertain significance (1 of 4 stars; one submission).

Conditions:
Immunodeficiency 51 (IMD51). Also called: CANDIDIASIS, FAMILIAL, 5. Identifiers: Orphanet 1334, MedGen C4310803, MONDO:0013500, OMIM 613953.

Submission:

Labcorp Genetics (formerly Invitae), Labcorp
Classification: Uncertain significance for Immunodeficiency 51. Last evaluated: 2022-03-28. Review status: criteria provided, single submitter. Criteria: Invitae Variant Classification Sherloc (09022015). Collection method: clinical testing. Allele origin: germline.
Comment: In summary, the available evidence is currently insufficient to determine the role of this variant in disease. Therefore, it has been classified as a Variant of Uncertain Significance. Algorithms developed to predict the effect of missense changes on protein structure and function are either unavailable or do not agree on the potential impact of this missense change (SIFT: "Deleterious"; PolyPhen-2: "Probably Damaging"; Align-GVGD: "Class C0"). This variant has not been reported in the literature in individuals affected with IL17RA-related conditions. This variant is present in population databases (no rsID available, gnomAD 0.007%). This sequence change replaces alanine, which is neutral and non-polar, with proline, which is neutral and non-polar, at codon 519 of the IL17RA protein (p.Ala519Pro).